The following is an entry in ClinVar:

ClinVar aggregate classification (germline): Likely pathogenic. Review status: criteria provided, multiple submitters, no conflicts (2 of 4 stars). 2 submissions from 2 submitters: Likely pathogenic (2). Last evaluated 2024-10-28.

Conditions:
Hereditary cancer-predisposing syndrome. Also called: Hereditary neoplastic syndrome; Hereditary Cancer Syndrome; Neoplastic Syndromes, Hereditary; Tumor predisposition. Identifiers: Orphanet 140162, MedGen C0027672, MeSH D009386, MONDO:0015356.
Multiple endocrine neoplasia, type 1 (MEN1). Also called: MEN I; WERMER SYNDROME; Endocrine adenomatosis multiple; MEN 1; MEA I. Identifiers: Orphanet 652, MedGen C0025267, MeSH D018761, MONDO:0007540, OMIM 131100.

Submissions (2):

Ambry Genetics
Classification: Likely pathogenic for Hereditary cancer-predisposing syndrome. Last evaluated: 2024-10-28. Review status: criteria provided, single submitter. Criteria: Ambry Variant Classification Scheme 2023. Collection method: clinical testing. Allele origin: germline.
Comment: The p.D33Y variant (also known as c.97G>T), located in coding exon 1 of the MEN1 gene, results from a G to T substitution at nucleotide position 97. The aspartic acid at codon 33 is replaced by tyrosine, an amino acid with highly dissimilar properties. This variant has been observed in at least one individual with a personal and/or family history that is consistent with Multiple endocrine neoplasia type 1 (Ambry internal data). This amino acid position is highly conserved in available vertebrate species. In addition, this alteration is predicted to be deleterious by in silico analysis. This variant is considered to be rare based on population cohorts in the Genome Aggregation Database (gnomAD). Based on the majority of available evidence to date, this variant is likely to be pathogenic.

Labcorp Genetics (formerly Invitae), Labcorp
Classification: Likely pathogenic for Multiple endocrine neoplasia, type 1. Last evaluated: 2023-06-28. Review status: criteria provided, single submitter. Criteria: Invitae Variant Classification Sherloc (09022015). Collection method: clinical testing. Allele origin: germline.
Comment: Advanced modeling of protein sequence and biophysical properties (such as structural, functional, and spatial information, amino acid conservation, physicochemical variation, residue mobility, and thermodynamic stability) performed at Invitae indicates that this missense variant is expected to disrupt MEN1 protein function. In summary, the currently available evidence indicates that the variant is pathogenic, but additional data are needed to prove that conclusively. Therefore, this variant has been classified as Likely Pathogenic. This variant is not present in population databases (gnomAD no frequency). This missense change has been observed in individual(s) with clinical features consistent with multiple endocrine neoplasia type 1 (Invitae). This sequence change replaces aspartic acid, which is acidic and polar, with tyrosine, which is neutral and polar, at codon 33 of the MEN1 protein (p.Asp33Tyr).

NM_001370259.2(MEN1):c.97G>T (p.Asp33Tyr)

Gene: MEN1 (menin 1; minus strand). Cytogenetic location: 11q13.1.
Variant type: single nucleotide variant.
Coding change: c.97G>T on transcript NM_001370259.2 (MANE Select); coding-DNA position 97, G replaced by T.
Protein change: p.Asp33Tyr; replaces aspartic acid 33 with tyrosine.
Molecular consequence: missense variant. On other transcripts: non-coding transcript variant (4).
Genome position (GRCh38, 1-based): chr11:64,810,013, C>A on the plus strand (G>T on the coding strand, the complement: MEN1 is on the minus strand). VCF-style: chr11-64810013-C-A. GRCh37 (hg19) VCF-style: chr11-64577485-C-A.
Other names: c.97G>T, p.Asp33Tyr (NM_000244.4, NM_001370251.2, NM_001370260.2 and 20 more transcripts); short protein forms D33Y.
Identifiers: ClinVar variation 2726985 (VCV002726985.4), dbSNP rs2136194342, ClinGen allele CA381187986.